The following is an entry in ClinVar:

ClinVar aggregate classification (germline): Conflicting classifications of pathogenicity. Review status: criteria provided, conflicting classifications (1 of 4 stars). 5 submissions from 5 submitters: Uncertain significance (1); Benign (1); Likely benign (2). 1 of the submissions does not count toward it. Last evaluated 2026-01-19.

Conditions:
P3H1-related disorder. Also called: P3H1-related condition.
Osteogenesis Imperfecta, Recessive.
Osteogenesis imperfecta type 8 (OI8). Identifiers: MedGen C1970458, MONDO:0012581, OMIM 610915.

Allele frequency attached by ClinVar (database versions not stated): gnomAD exomes 0.00025 and 0.00057; 1000 Genomes Project 30x 0.00031; 1000 Genomes Project 0.00040; ExAC 0.00072; gnomAD 0.00186 and 0.00209; TOPMed 0.00225; ESP Exome Variant Server 0.00346.
gnomAD v4.1: 667 of 1,614,076 alleles (0.041%); highest among the groups gnomAD compares: African/African-American, 0.67%; no homozygotes.

Submissions (5):

Labcorp Genetics (formerly Invitae), Labcorp
Classification: Likely benign for Osteogenesis imperfecta type 8. Last evaluated: 2026-01-19. Review status: criteria provided, single submitter. Criteria: Invitae Variant Classification Sherloc (09022015). Collection method: clinical testing. Allele origin: germline.

ARUP Laboratories, Molecular Genetics and Genomics, ARUP Laboratories
Classification: Likely benign for Osteogenesis imperfecta type 8. Last evaluated: 2023-05-04. Review status: criteria provided, single submitter. Criteria: ARUP Molecular Germline Variant Investigation Process 2024. Collection method: clinical testing. Allele origin: germline.

GeneDx
Classification: Benign. Last evaluated: 2020-07-24. Review status: criteria provided, single submitter. Criteria: GeneDx Variant Classification Process June 2021. Collection method: clinical testing. Allele origin: germline. Affected: yes.
Comment: This variant is associated with the following publications: (PMID: 26634552)

Illumina Laboratory Services, Illumina
Classification: Uncertain significance for Osteogenesis Imperfecta, Recessive. Last evaluated: 2017-04-28. Review status: criteria provided, single submitter. Criteria: ICSL Variant Classification Criteria 13 December 2019. Collection method: clinical testing. Allele origin: germline.
Comment: This variant was observed as part of a predisposition screen in an ostensibly healthy population. A literature search was performed for the gene, cDNA change, and amino acid change (where applicable). Publications were found based on this search. However, the evidence from the literature, in combination with allele frequency data from public databases where available, was not sufficient to rule this variant in or out of causing disease. Therefore, this variant is classified as a variant of unknown significance.

PreventionGenetics, part of Exact Sciences
Classification: Benign for P3H1-related condition. Last evaluated: 2019-08-05. Review status: no assertion criteria provided. Collection method: clinical testing. Allele origin: germline. Not counted in ClinVar's aggregate classification.
Comment: This variant is classified as benign based on ACMG/AMP sequence variant interpretation guidelines (Richards et al. 2015 PMID: 25741868, with internal and published modifications).

Literature cited by the submitters: PubMed 26634552 (cited by Illumina Laboratory Services, Illumina).

NM_022356.4(P3H1):c.1501C>T (p.Arg501Trp)

Gene: P3H1 (prolyl 3-hydroxylase 1; minus strand). Cytogenetic location: 1p34.2.
Variant type: single nucleotide variant.
Coding change: c.1501C>T on transcript NM_022356.4 (MANE Select); coding-DNA position 1501, C replaced by T.
Protein change: p.Arg501Trp; replaces arginine 501 with tryptophan.
Molecular consequence: missense variant.
Genome position (GRCh38, 1-based): chr1:42,752,342, G>A on the plus strand (C>T on the coding strand, the complement: P3H1 is on the minus strand). VCF-style: chr1-42752342-G-A. GRCh37 (hg19) VCF-style: chr1-43218013-G-A.
Other names: c.1501C>T, p.Arg501Trp (NM_001146289.2, NM_001243246.2); short protein forms R501W.
Identifiers: ClinVar variation 536818 (VCV000536818.26), dbSNP rs115108794, ClinGen allele CA801815.